The following is an entry in ClinVar:

ClinVar aggregate classification (germline): Uncertain significance. Review status: criteria provided, multiple submitters, no conflicts (2 of 4 stars). 2 submissions from 2 submitters: Uncertain significance (2). Last evaluated 2024-02-06.

Conditions:
Inborn genetic diseases. Identifiers: MedGen C0950123, MeSH D030342.
Intellectual disability, CASK-related, X-linked. Identifiers: MedGen CN043158.

Allele frequency attached by ClinVar (database versions not stated): gnomAD exomes below 0.00001.
gnomAD v4.1: 1 of 1,208,145 alleles (0.000083%); highest among the groups gnomAD compares: Non-Finnish European, 0.00011%; no homozygotes.

Submissions (2):

Labcorp Genetics (formerly Invitae), Labcorp
Classification: Uncertain significance for Intellectual disability, CASK-related, X-linked. Last evaluated: 2024-02-06. Review status: criteria provided, single submitter. Criteria: Invitae Variant Classification Sherloc (09022015). Collection method: clinical testing. Allele origin: germline.
Comment: This sequence change replaces glutamic acid, which is acidic and polar, with aspartic acid, which is acidic and polar, at codon 662 of the CASK protein (p.Glu662Asp). This variant is not present in population databases (gnomAD no frequency). This variant has not been reported in the literature in individuals affected with CASK-related conditions. ClinVar contains an entry for this variant (Variation ID: 1783869). Advanced modeling of protein sequence and biophysical properties (such as structural, functional, and spatial information, amino acid conservation, physicochemical variation, residue mobility, and thermodynamic stability) has been performed at Invitae for this missense variant, however the output from this modeling did not meet the statistical confidence thresholds required to predict the impact of this variant on CASK protein function. In summary, the available evidence is currently insufficient to determine the role of this variant in disease. Therefore, it has been classified as a Variant of Uncertain Significance.

Ambry Genetics
Classification: Uncertain significance for Inborn genetic diseases. Last evaluated: 2018-04-20. Review status: criteria provided, single submitter. Criteria: Ambry Variant Classification Scheme 2023. Collection method: clinical testing. Allele origin: germline.
Comment: The p.E662D variant (also known as c.1986A>C), located in coding exon 21 of the CASK gene, results from an A to C substitution at nucleotide position 1986. The glutamic acid at codon 662 is replaced by aspartic acid, an amino acid with highly similar properties. This amino acid position is highly conserved in available vertebrate species. In addition, this alteration is predicted to be tolerated by in silico analysis. Since supporting evidence is limited at this time, the clinical significance of this alteration remains unclear.

NM_001367721.1(CASK):c.1986A>C (p.Glu662Asp)

Gene: CASK (calcium/calmodulin dependent serine protein kinase; minus strand). Cytogenetic location: Xp11.4.
Variant type: single nucleotide variant.
Coding change: c.1986A>C on transcript NM_001367721.1 (MANE Select); coding-DNA position 1986, A replaced by C.
Protein change: p.Glu662Asp; replaces glutamic acid 662 with aspartic acid.
Molecular consequence: missense variant.
Genome position (GRCh38, 1-based): chrX:41,553,772, T>G on the plus strand (A>C on the coding strand, the complement: CASK is on the minus strand). VCF-style: chrX-41553772-T-G. GRCh37 (hg19) VCF-style: chrX-41413025-T-G.
Other names: c.1917A>C, p.Glu639Asp (NM_001126054.3); c.1899A>C, p.Glu633Asp (NM_001126055.3); c.1968A>C, p.Glu656Asp (NM_001410745.1); c.1986A>C, p.Glu662Asp (NM_003688.4); short protein forms E662D, E633D, E656D, E639D.
Identifiers: ClinVar variation 1783869 (VCV001783869.5), dbSNP rs2519751648, ClinGen allele CA412992765.